The following is an entry in ClinVar:

ClinVar aggregate classification (germline): Uncertain significance. Review status: criteria provided, multiple submitters, no conflicts (2 of 4 stars). 4 submissions from 4 submitters: Uncertain significance (3). 1 of the submissions does not count toward it. Last evaluated 2024-06-10.

Conditions:
ADULT syndrome. Also called: Acro-Dermo-Ungual-Lacrimal-Tooth Syndrome (ADULT Syndrome); Acro-dermato-ungual-lacrimal-tooth (adult) syndrome; ACRO-DERMATO-UNGUAL-LACRIMAL-TOOTH SYNDROME. Identifiers: Orphanet 978, MedGen C1863204, MONDO:0007072, OMIM 103285.
Ankyloblepharon-ectodermal defects-cleft lip/palate syndrome. Also called: Hay-Wells syndrome of ectodermal dysplasia; Ankyloblepharon-Ectodermal Defects-Cleft Lip/Palate Syndrome (AEC Syndrome); Ankyloblepharon-ectodermal defects, cleft lip/palate; AEC SYNDROME; HAY-WELLS SYNDROME. Identifiers: Orphanet 1071, MedGen C0406709, MONDO:0007124, OMIM 106260.
Rapp-Hodgkin syndrome (RHS). Also called: Isolated Cleft Lip/Cleft Palate (Orofacial Cleft 8); ECTODERMAL DYSPLASIA, ANHIDROTIC, WITH CLEFT LIP/PALATE; Rapp-Hodgkin ectodermal dysplasia syndrome. Identifiers: MedGen C1785148, MONDO:0007508, OMIM 129400.
Premature ovarian failure 21 (POF21). Identifiers: MedGen C5830399, MONDO:0957216, OMIM 620311.
Ectrodactyly, ectodermal dysplasia, and cleft lip-palate syndrome 3. Also called: Ectrodactyly, Ectodermal Dysplasia, Clefting Syndrome; Ectrodactyly, Ectodermal Dysplasia, Clefting Syndrome Type 3 (EEC3); Ectrodactyly, Ectodermal Dysplasia, Cleft Lip/Palate Syndrome 3 (EEC3); EEC SYNDROME 3. Identifiers: Orphanet 1896, MedGen C1858562, MONDO:0011428, OMIM 604292.
Limb-mammary syndrome (LMS). Also called: Mammary hypoplasia, ectrodactyly, and other hand/foot anomalies. Identifiers: Orphanet 69085, MedGen C1863753, MONDO:0011334, OMIM 603543.
Split hand-foot malformation 4. Also called: Split-Hand/Foot Malformation Type 4 (SHFM4 syndrome); Split-Hand/Foot Malformation Type 4 (SHFM4). Identifiers: Orphanet 2440, MedGen C1854442, MONDO:0011535, OMIM 605289.
Orofacial cleft 8. Also called: Cleft lip with or without cleft palate, nonsyndromic, 8. Identifiers: MedGen C1851878, MONDO:0029145, OMIM 618149.
TP63-related disorder. Also called: TP63-related condition; TP63-Related Disorders. Identifiers: MedGen CN380159.
TP63-Related Spectrum Disorders.

Allele frequency attached by ClinVar (database versions not stated): TOPMed 0.00003; ExAC 0.00003; gnomAD exomes 0.00002 and 0.00004; gnomAD 0.00001.
gnomAD v4.1: 27 of 1,613,962 alleles (0.0017%); highest among the groups gnomAD compares: Admixed American, 0.013%; no homozygotes.

Submissions (4):

Fulgent Genetics
Classification: Uncertain significance for ADULT syndrome; Ankyloblepharon-ectodermal defects-cleft lip/palate syndrome; Rapp-Hodgkin syndrome; Limb-mammary syndrome; Ectrodactyly, ectodermal dysplasia, and cleft lip-palate syndrome 3; Split hand-foot malformation 4; Orofacial cleft 8; Premature ovarian failure 21. Last evaluated: 2024-06-10. Review status: criteria provided, single submitter. Criteria: ACMG Guidelines, 2015. Collection method: clinical testing. Allele origin: germline.

Labcorp Genetics (formerly Invitae), Labcorp
Classification: Uncertain significance. Last evaluated: 2023-08-19. Review status: criteria provided, single submitter. Criteria: Invitae Variant Classification Sherloc (09022015). Collection method: clinical testing. Allele origin: germline.
Comment: This variant is present in population databases (rs752080701, gnomAD 0.01%). In summary, the available evidence is currently insufficient to determine the role of this variant in disease. Therefore, it has been classified as a Variant of Uncertain Significance. Advanced modeling of protein sequence and biophysical properties (such as structural, functional, and spatial information, amino acid conservation, physicochemical variation, residue mobility, and thermodynamic stability) has been performed at Invitae for this missense variant, however the output from this modeling did not meet the statistical confidence thresholds required to predict the impact of this variant on TP63 protein function. ClinVar contains an entry for this variant (Variation ID: 596662). This variant has not been reported in the literature in individuals affected with TP63-related conditions. This sequence change replaces arginine, which is basic and polar, with histidine, which is basic and polar, at codon 97 of the TP63 protein (p.Arg97His).

Eurofins Ntd Llc (ga)
Classification: Uncertain significance. Last evaluated: 2018-04-10. Review status: criteria provided, single submitter. Criteria: EGL ClinVar v180209 classification definitions. Collection method: clinical testing. Allele origin: germline. Observed: 1 variant allele, 1 heterozygote.

PreventionGenetics, part of Exact Sciences
Classification: Uncertain significance for TP63-related condition. Last evaluated: 2024-08-07. Review status: no assertion criteria provided. Collection method: clinical testing. Allele origin: germline. Not counted in ClinVar's aggregate classification.
Comment: The TP63 c.290G>A variant is predicted to result in the amino acid substitution p.Arg97His. To our knowledge, this variant has not been reported in the literature. Alternate nucleotide changes affecting the same amino acid have been reported in an individual with a split-hand malformation (p.Arg97Cys) (Zenteno et al. 2005. PubMed ID: 15736220) and in two related individuals with premature ovarian failure (p.Arg97Pro) (Table 2, Tucker et al 2022. PubMed ID: 35801529). This variant is reported in 0.014% of alleles in individuals of Latino descent in gnomAD. At this time, the clinical significance of this variant is uncertain due to the absence of conclusive functional and genetic evidence.

NM_003722.5(TP63):c.290G>A (p.Arg97His)

Gene: TP63 (tumor protein p63; plus strand). Cytogenetic location: 3q28.
Variant type: single nucleotide variant.
Coding change: c.290G>A on transcript NM_003722.5 (MANE Select); coding-DNA position 290, G replaced by A.
Protein change: p.Arg97His; replaces arginine 97 with histidine.
Molecular consequence: missense variant.
Genome position (GRCh38, 1-based): chr3:189,738,740, G>A. VCF-style: chr3-189738740-G-A. GRCh37 (hg19) VCF-style: chr3-189456529-G-A.
Other names: c.290G>A, p.Arg97His (NM_001114978.2, NM_001114979.2, NM_001329144.2 and 1 more transcripts); c.284G>A, p.Arg95His (NM_001329964.2); c.290G>A (NM_003722.4); short protein forms R97H, R95H.
Identifiers: ClinVar variation 596662 (VCV000596662.12), dbSNP rs752080701, ClinGen allele CA2752070.